The following is an entry in ClinVar:

ClinVar aggregate classification (germline): Uncertain significance (1 of 4 stars; one submission).

gnomAD v4.1: 2 of 1,614,206 alleles (0.00012%); highest among the groups gnomAD compares: Non-Finnish European, 0.00017%; no homozygotes.

Submission:

GeneDx
Classification: Uncertain significance. Last evaluated: 2023-07-24. Review status: criteria provided, single submitter. Criteria: GeneDx Variant Classification Process June 2021. Collection method: clinical testing. Allele origin: germline. Affected: yes.
Comment: Not observed at significant frequency in large population cohorts (gnomAD); In silico analysis supports that this missense variant has a deleterious effect on protein structure/function; Has not been previously published as pathogenic or benign to our knowledge

NM_003383.5(VLDLR):c.1841T>C (p.Leu614Pro)

Gene: VLDLR (very low density lipoprotein receptor; plus strand). Cytogenetic location: 9p24.2.
Variant type: single nucleotide variant.
Coding change: c.1841T>C on transcript NM_003383.5 (MANE Select); coding-DNA position 1841, T replaced by C.
Protein change: p.Leu614Pro; replaces leucine 614 with proline.
Molecular consequence: missense variant.
Genome position (GRCh38, 1-based): chr9:2,648,226, T>C. VCF-style: chr9-2648226-T-C. GRCh37 (hg19) VCF-style: chr9-2648226-T-C.
Other names: c.1841T>C, p.Leu614Pro (NM_001018056.3); c.1718T>C, p.Leu573Pro (NM_001322225.2, NM_001322226.2); short protein forms L573P, L614P.
Identifiers: ClinVar variation 3361183 (VCV003361183.1).